The following is an entry in ClinVar:

NM_015338.6(ASXL1):c.3306G>T (p.Glu1102Asp)

Gene: ASXL1 (ASXL transcriptional regulator 1; plus strand). Cytogenetic location: 20q11.21.
Variant type: single nucleotide variant.
Coding change: c.3306G>T on transcript NM_015338.6 (MANE Select); coding-DNA position 3306, G replaced by T.
Protein change: p.Glu1102Asp; replaces glutamic acid 1102 with aspartic acid.
Molecular consequence: missense variant.
Genome position (GRCh38, 1-based): chr20:32,436,018, G>T. VCF-style: chr20-32436018-G-T. GRCh37 (hg19) VCF-style: chr20-31023821-G-T.
Other names: c.3123G>T, p.Glu1041Asp (NM_001363734.1); short protein forms E1102D, E1041D.
Identifiers: ClinVar variation 133595 (VCV000133595.48), dbSNP rs139115934, ClinGen allele CA157038.
Genomic context (GRCh38, chr20:32,436,018, plus strand): 5'-GGCCAGTACTGAGTACCAGCCAAGAGCCGTGTGCCTGTCCATGCCTGGGTCCTCAGTGGA[G>T]GCCACTAACCCACTTGTGATGCAGTTGCTGCAGGGTAGCTTGCCCCTAGAGAAGGTTCTT-3'
Protein context (NP_056153.2, residues 1092-1112): VCLSMPGSSV[Glu1102Asp]ATNPLVMQLL

ClinVar aggregate classification (germline): Benign. Review status: criteria provided, multiple submitters, no conflicts (2 of 4 stars). 8 submissions from 8 submitters: Benign (4). 4 of the submissions do not count toward it. Last evaluated 2026-07-01.

Conditions:
Bohring-Opitz syndrome. Also called: C-LIKE SYNDROME; ASXL1-Related Bohring-Opitz Syndrome; OPITZ TRIGONOCEPHALY-LIKE SYNDROME; BOHRING SYNDROME. Identifiers: Orphanet 97297, MedGen C0796232, MONDO:0011510, OMIM 605039.

Allele frequency attached by ClinVar (database versions not stated): 1000 Genomes Project 0.00519; 1000 Genomes Project 30x 0.00531; TOPMed 0.00653; ESP Exome Variant Server 0.00777; gnomAD 0.00880 and 0.00916; gnomAD exomes 0.00953 and 0.01072; ExAC 0.01009.
gnomAD v4.1: 16,911 of 1,614,144 alleles (1%); highest among the groups gnomAD compares: Non-Finnish European, 1.2%; 134 homozygotes.

Submissions (8):

CeGaT Center for Human Genetics Tuebingen
Classification: Benign. Last evaluated: 2026-07-01. Review status: criteria provided, single submitter. Criteria: CeGaT Center For Human Genetics Tuebingen Variant Classification Criteria Version 2. Collection method: clinical testing. Allele origin: germline. Affected: yes. Observed: 50 variant alleles.
Comment: ASXL1: BP4, BS1, BS2

Labcorp Genetics (formerly Invitae), Labcorp
Classification: Benign. Last evaluated: 2026-01-30. Review status: criteria provided, single submitter. Criteria: Invitae Variant Classification Sherloc (09022015). Collection method: clinical testing. Allele origin: germline.

Genome-Nilou Lab
Classification: Benign for Bohring-Opitz syndrome. Last evaluated: 2021-12-05. Review status: criteria provided, single submitter. Criteria: ACMG Guidelines, 2015. Collection method: clinical testing. Allele origin: germline. Affected: no.

GeneDx
Classification: Benign. Last evaluated: 2020-12-21. Review status: criteria provided, single submitter. Criteria: GeneDx Variant Classification Process June 2021. Collection method: clinical testing. Allele origin: germline. Affected: yes.
Comment: This variant is associated with the following publications: (PMID: 29427188, 21346257, 20955399)

ITMI
No classification provided. Condition: AllHighlyPenetrant. Last evaluated: 2013-09-19. Review status: no classification provided. Collection method: reference population. Allele origin: germline. Not counted in ClinVar's aggregate classification.
Comment: Please see associated publication for description of ethnicities

Clinical Genetics DNA and cytogenetics Diagnostics Lab, Erasmus MC, Erasmus Medical Center
Classification: Benign. Review status: no assertion criteria provided. Collection method: clinical testing. Allele origin: germline. Affected: yes. Study: VKGL Data-share Consensus. Not counted in ClinVar's aggregate classification.

Joint Genome Diagnostic Labs from Nijmegen and Maastricht, Radboudumc and MUMC+
Classification: Benign. Review status: no assertion criteria provided. Collection method: clinical testing. Allele origin: germline. Affected: yes. Study: VKGL Data-share Consensus. Not counted in ClinVar's aggregate classification.

Laboratory of Diagnostic Genome Analysis, Leiden University Medical Center (LUMC)
Classification: Likely benign. Review status: no assertion criteria provided. Collection method: clinical testing. Allele origin: germline. Affected: yes. Study: VKGL Data-share Consensus. Not counted in ClinVar's aggregate classification.

Literature cited by the submitters: PubMed 24728327 (cited by ITMI).